The following is an entry in ClinVar:

ClinVar aggregate classification (germline): Conflicting classifications of pathogenicity. Review status: criteria provided, conflicting classifications (1 of 4 stars). 4 submissions from 4 submitters: Uncertain significance (3); Likely benign (1). Last evaluated 2026-01-01.

Conditions:
CHARGE syndrome (CHARGE). Also called: Hittner Hirsch Kreh syndrome; Coloboma, heart anomaly, choanal atresia, retardation, genital and ear anomalies; CHARGE association; Hall-Hittner syndrome; CHARGE ASSOCIATION--COLOBOMA, HEART ANOMALY, CHOANAL ATRESIA, RETARDATION, GENITAL AND EAR ANOMALIES. Identifiers: Orphanet 138, MedGen C0265354, MONDO:0008965.
Hypogonadotropic hypogonadism 5 with or without anosmia (KAL5). Also called: CHD7-Related GnRH Deficiency (Kallmann Syndrome 5); HYPOGONADOTROPIC HYPOGONADISM 5 WITH ANOSMIA; HYPOGONADOTROPHIC HYPOGONADISM 5 WITHOUT ANOSMIA. Identifiers: Orphanet 478, MedGen C3552553, MONDO:0012880, OMIM 612370. Disease mechanism: loss of function.

Allele frequency attached by ClinVar (database versions not stated): gnomAD exomes below 0.00001; gnomAD 0.00002; TOPMed 0.00002.

Submissions (4):

Centre for Medical Genetics,  Mumbai
Classification: Likely benign for Hypogonadotropic hypogonadism 5 with or without anosmia. Last evaluated: 2026-01-01. Review status: criteria provided, single submitter. Criteria: ACMG Guidelines, 2015. Collection method: provider interpretation. Allele origin: germline. Inheritance: Autosomal dominant inheritance. Affected: no. Observed: 1 homozygote.
Comment: The variant satisfies PM2 criteria; Extremely low frequency in gnomAD population databases. The variant satisfies PP2 criteria; Missense variant in a gene with low rate of benign missense mutations and for which missense mutation is a common mechanism of a disease. However, the variant satisfies BS2 criteria; present in homozygous state in an individual that clinically does not have hypogonadotropic hypogonadism disorder.

Labcorp Genetics (formerly Invitae), Labcorp
Classification: Uncertain significance for CHARGE syndrome. Last evaluated: 2024-11-13. Review status: criteria provided, single submitter. Criteria: Invitae Variant Classification Sherloc (09022015). Collection method: clinical testing. Allele origin: germline.
Comment: This sequence change replaces asparagine, which is neutral and polar, with serine, which is neutral and polar, at codon 982 of the CHD7 protein (p.Asn982Ser). This variant is not present in population databases (gnomAD no frequency). This variant has not been reported in the literature in individuals affected with CHD7-related conditions. ClinVar contains an entry for this variant (Variation ID: 289304). Invitae Evidence Modeling of protein sequence and biophysical properties (such as structural, functional, and spatial information, amino acid conservation, physicochemical variation, residue mobility, and thermodynamic stability) indicates that this missense variant is not expected to disrupt CHD7 protein function with a negative predictive value of 95%. In summary, the available evidence is currently insufficient to determine the role of this variant in disease. Therefore, it has been classified as a Variant of Uncertain Significance.

Fulgent Genetics
Classification: Uncertain significance for CHD7-related CHARGE syndrome; Hypogonadotropic hypogonadism 5 with or without anosmia. Last evaluated: 2022-02-18. Review status: criteria provided, single submitter. Criteria: ACMG Guidelines, 2015. Collection method: clinical testing. Allele origin: unknown.

Eurofins Ntd Llc (ga)
Classification: Uncertain significance. Last evaluated: 2016-08-17. Review status: criteria provided, single submitter. Criteria: EGL Classification Definitions 2015. Collection method: clinical testing. Allele origin: germline. Observed: 1 variant allele, 1 heterozygote.

Literature cited by the submitters: PubMed 18834967 (cited by Centre for Medical Genetics,  Mumbai).

NM_017780.4(CHD7):c.2945A>G (p.Asn982Ser)

Gene: CHD7 (chromodomain helicase DNA binding protein 7; plus strand). Cytogenetic location: 8q12.2.
Variant type: single nucleotide variant.
Coding change: c.2945A>G on transcript NM_017780.4 (MANE Select); coding-DNA position 2945, A replaced by G.
Protein change: p.Asn982Ser; replaces asparagine 982 with serine.
Molecular consequence: missense variant. On other transcripts: intron variant (1).
Genome position (GRCh38, 1-based): chr8:60,822,133, A>G. VCF-style: chr8-60822133-A-G. GRCh37 (hg19) VCF-style: chr8-61734692-A-G.
Other names: c.1717-40096A>G (NM_001316690.1); short protein forms N982S.
Identifiers: ClinVar variation 289304 (VCV000289304.9), dbSNP rs886044146, ClinGen allele CA10606404.